The following is an entry in ClinVar:

ClinVar aggregate classification (germline): Likely benign. Review status: criteria provided, multiple submitters, no conflicts (2 of 4 stars). 3 submissions from 3 submitters: Likely benign (3). Last evaluated 2026-04-01.

Allele frequency attached by ClinVar (database versions not stated): gnomAD exomes 0.00013 and 0.00020; 1000 Genomes Project 30x 0.00016; TOPMed 0.00016; gnomAD 0.00019; 1000 Genomes Project 0.00020; ExAC 0.00023; ESP Exome Variant Server 0.00023.
gnomAD v4.1: 229 of 1,613,498 alleles (0.014%); highest among the groups gnomAD compares: Middle Eastern, 0.41%; 2 homozygotes.

Submissions (3):

CeGaT Center for Human Genetics Tuebingen
Classification: Likely benign. Last evaluated: 2026-04-01. Review status: criteria provided, single submitter. Criteria: CeGaT Center For Human Genetics Tuebingen Variant Classification Criteria Version 2. Collection method: clinical testing. Allele origin: germline. Affected: yes. Observed: 1 variant allele.
Comment: CTSB: BP4, BP7

Labcorp Genetics (formerly Invitae), Labcorp
Classification: Likely benign. Last evaluated: 2024-04-10. Review status: criteria provided, single submitter. Criteria: Invitae Variant Classification Sherloc (09022015). Collection method: clinical testing. Allele origin: germline.

Breakthrough Genomics
Classification: Likely benign. Review status: criteria provided, single submitter. Criteria: ACMG Guidelines, 2015. Collection method: not provided. Allele origin: germline. Inheritance: Autosomal dominant inheritance. Affected: yes.

NM_001908.5(CTSB):c.411C>T (p.Asp137=)

Gene: CTSB (cathepsin B). Cytogenetic location: 8p23.1.
Variant type: single nucleotide variant.
Coding change: c.411C>T on transcript NM_001908.5 (MANE Select); coding-DNA position 411, C replaced by T.
Protein change: p.Asp137=; no amino-acid change (aspartic acid 137 retained).
Molecular consequence: synonymous variant. On other transcripts: intron variant (1).
Genome position (GRCh38, 1-based): chr8:11,849,081, G>A on the plus strand (C>T on the coding strand, the complement: CTSB is on the minus strand). VCF-style: chr8-11849081-G-A. GRCh37 (hg19) VCF-style: chr8-11706590-G-A.
Other names: c.411C>T, p.Asp137= (NM_001384714.1, NM_001384723.1, NM_001384724.1 and 8 more transcripts); c.75-929C>T (NM_001317237.2).
Identifiers: ClinVar variation 1635211 (VCV001635211.11), dbSNP rs200926074, ClinGen allele CA4632951.
Genomic context (GRCh38, chr8:11,849,081, plus strand): 5'-GCTGTGGAAGCACAGCCTGACTCACCCGTCCCCACACATGCTGCCACAGCATGTGAGCAG[G>A]TCCTCCGCCGACACCTCCACGCTGACGTGCGCATTGGTGTGGATGCAGATCCGGTCAGAG-3'
Protein context (NP_001899.1, residues 127-147): AHVSVEVSAE[Asp137=]LLTCCGSMCG